The following is an entry in ClinVar:

ClinVar aggregate classification (germline): Benign/Likely benign. Review status: criteria provided, multiple submitters, no conflicts (2 of 4 stars). 3 submissions from 3 submitters: Benign (1); Likely benign (2). Last evaluated 2019-12-13.

Conditions:
Niemann-Pick disease, type A. Also called: SPHINGOMYELIN LIPIDOSIS; SPHINGOMYELINASE DEFICIENCY; Infantile Neurovisceral ASMD (Niemann-Pick Disease Type A; NPD-A). Identifiers: Orphanet 77292, MedGen C0268242, MONDO:0009756, OMIM 257200. Disease mechanism: loss of function.

Allele frequency attached by ClinVar (database versions not stated): 1000 Genomes Project 0.01018; TOPMed 0.01079; 1000 Genomes Project 30x 0.01187.
gnomAD v4.1: 1,873 of 492,280 alleles (0.38%); highest among the groups gnomAD compares: African/African-American, 3.2%; 27 homozygotes.

Submissions (3):

GeneDx
Classification: Likely benign. Last evaluated: 2019-12-13. Review status: criteria provided, single submitter. Criteria: GeneDx Variant Classification Process June 2021. Collection method: clinical testing. Allele origin: germline. Affected: yes.

Illumina Laboratory Services, Illumina
Classification: Benign for Niemann-Pick disease, type A. Last evaluated: 2018-01-12. Review status: criteria provided, single submitter. Criteria: ICSL Variant Classification Criteria 13 December 2019. Collection method: clinical testing. Allele origin: germline.
Comment: This variant was observed in the ICSL laboratory as part of a predisposition screen in an ostensibly healthy population. It had not been previously curated by ICSL or reported in the Human Gene Mutation Database (HGMD: prior to June 1st, 2018), and was therefore a candidate for classification through an automated scoring system. Utilizing variant allele frequency, disease prevalence and penetrance estimates, and inheritance mode, an automated score was calculated to assess if this variant is too frequent to cause the disease. Based on the score and internal cut-off values, a variant classified as benign is not then subjected to further curation. The score for this variant resulted in a classification of benign for this disease.

Breakthrough Genomics
Classification: Likely benign. Review status: criteria provided, single submitter. Criteria: ACMG Guidelines, 2015. Collection method: not provided. Allele origin: germline. Inheritance: Autosomal recessive inheritance. Affected: yes.

NM_000543.5(SMPD1):c.*294G>C

Gene: SMPD1 (sphingomyelin phosphodiesterase 1; plus strand). Cytogenetic location: 11p15.4.
Variant type: single nucleotide variant.
Coding change: c.*294G>C on transcript NM_000543.5 (MANE Select); 294 bases downstream of the stop codon, G replaced by C.
Molecular consequence: 3 prime UTR variant. On other transcripts: non-coding transcript variant (2).
Genome position (GRCh38, 1-based): chr11:6,394,901, G>C. VCF-style: chr11-6394901-G-C. GRCh37 (hg19) VCF-style: chr11-6416131-G-C.
Other names: c.*294G>C (NM_001007593.3, NM_001318088.2, NM_001365135.2); c.*683G>C (NM_001318087.2).
Identifiers: ClinVar variation 305212 (VCV000305212.9), dbSNP rs12278115, ClinGen allele CA10635207.